The following is an entry in ClinVar:

NM_022444.4(SLC13A1):c.15T>C (p.Ser5=)

Gene: SLC13A1 (solute carrier family 13 member 1; minus strand). Cytogenetic location: 7q31.32.
Variant type: single nucleotide variant.
Coding change: c.15T>C on transcript NM_022444.4 (MANE Select); coding-DNA position 15, T replaced by C.
Protein change: p.Ser5=; no amino-acid change (serine 5 retained).
Molecular consequence: synonymous variant. On other transcripts: 5 prime UTR variant (1).
Genome position (GRCh38, 1-based): chr7:123,199,932, A>G on the plus strand (T>C on the coding strand, the complement: SLC13A1 is on the minus strand). VCF-style: chr7-123199932-A-G. GRCh37 (hg19) VCF-style: chr7-122839986-A-G.
Other names: c.-859T>C (NM_001324400.1).
Identifiers: ClinVar variation 2657972 (VCV002657972.24), dbSNP rs141951667, ClinGen allele CA4461464.
Genomic context (GRCh38, chr7:123,199,932, plus strand): 5'-AGGTAGTAAAACCAACACAGTGAAAACCACGAAGAGAAATCGGCGATAAACCAGAATGTA[A>G]CTGAAGAATTTCATTGTCCTGAGCAGGTGGCTTCAATAGTGTCCTCCAAATAAAGCAGAT-3'
Protein context (NP_071889.2, residues 1-15): MKFF[Ser5=]YILVYRRFLF

ClinVar aggregate classification (germline): Likely benign (1 of 4 stars; one submission).

Allele frequency attached by ClinVar (database versions not stated): gnomAD 0.00042; ExAC 0.00049; TOPMed 0.00062; ESP Exome Variant Server 0.00085; gnomAD exomes 0.00094.
gnomAD v4.1: 1,422 of 1,612,604 alleles (0.088%); highest among the groups gnomAD compares: Non-Finnish European, 0.11%; no homozygotes.

Submission:

CeGaT Center for Human Genetics Tuebingen
Classification: Likely benign. Last evaluated: 2023-03-01. Review status: criteria provided, single submitter. Criteria: CeGaT Center For Human Genetics Tuebingen Variant Classification Criteria Version 2. Collection method: clinical testing. Allele origin: germline. Affected: yes. Observed: 1 variant allele.
Comment: SLC13A1: BP4, BP7